The following is an entry in ClinVar:

ClinVar aggregate classification (germline): Uncertain significance (1 of 4 stars; one submission).

Submission:

Women's Health and Genetics/Laboratory Corporation of America, LabCorp
Classification: Uncertain significance. Last evaluated: 2025-11-11. Review status: criteria provided, single submitter. Criteria: LabCorp Variant Classification Summary - May 2015. Collection method: clinical testing. Allele origin: germline.
Comment: Variant summary: ZNF687 c.2497G>A (p.Asp833Asn) results in a conservative amino acid change in the encoded protein sequence. Algorithms developed to predict the effect of missense changes on protein structure and function are either unavailable or do not agree on the potential impact of this missense change. The variant allele was found at a frequency of 8e-06 in 250904 control chromosomes. The available data on variant occurrences in the general population are insufficient to allow any conclusion about variant significance. To our knowledge, no occurrence of c.2497G>A in individuals affected with ZNF687-related conditions and no experimental evidence demonstrating its impact on protein function have been reported. No submitters have cited clinical-significance assessments for this variant to ClinVar. Based on the evidence outlined above, the variant was classified as uncertain significance.

NM_020832.3(ZNF687):c.2497G>A (p.Asp833Asn)

Gene: ZNF687 (zinc finger protein 687; plus strand). Cytogenetic location: 1q21.3.
Variant type: single nucleotide variant.
Coding change: c.2497G>A on transcript NM_020832.3 (MANE Select); coding-DNA position 2497, G replaced by A.
Protein change: p.Asp833Asn; replaces aspartic acid 833 with asparagine.
Molecular consequence: missense variant.
Genome position (GRCh38, 1-based): chr1:151,289,403, G>A. VCF-style: chr1-151289403-G-A. GRCh37 (hg19) VCF-style: chr1-151261879-G-A.
Other names: c.2497G>A, p.Asp833Asn (NM_001304763.2, NM_001304764.2); short protein forms D833N.
Identifiers: ClinVar variation 4536832 (VCV004536832.1).